The following is an entry in ClinVar:

NM_000138.5(FBN1):c.2837del (p.Thr946fs)

Gene: FBN1 (fibrillin 1; minus strand). Cytogenetic location: 15q21.1.
Variant type: Deletion.
Coding change: c.2837del on transcript NM_000138.5 (MANE Select); coding-DNA position 2837, one base deleted (C; older notation c.2837delC).
Protein change: p.Thr946fs; shifts the reading frame from threonine 946.
Molecular consequence: frameshift variant.
Genome position (GRCh38, 1-based): chr15:48,492,478, G deleted on the plus strand (C on the coding strand, the reverse complement: FBN1 is on the minus strand). VCF-style (leftmost placement, unchanged base first): chr15-48492477-TG-T. GRCh37 (hg19) VCF-style: chr15-48784674-TG-T.
Other names: short protein forms T946fs.
Identifiers: ClinVar variation 928915 (VCV000928915.1), dbSNP rs2043568185, ClinGen allele CA1139663909.

ClinVar aggregate classification (germline): Likely pathogenic (1 of 4 stars; one submission).

Conditions:
Marfan Syndrome/Loeys-Dietz Syndrome/Familial Thoracic Aortic Aneurysms and Dissections. Identifiers: MedGen CN229799.

Submission:

Women's Health and Genetics/Laboratory Corporation of America, LabCorp
Classification: Likely pathogenic for Marfan Syndrome/Loeys-Dietz Syndrome/Familial Thoracic Aortic Aneurysms and Dissections. Last evaluated: 2019-05-06. Review status: criteria provided, single submitter. Criteria: LabCorp Variant Classification Summary - May 2015. Collection method: clinical testing. Allele origin: germline.
Comment: Variant summary: FBN1 c.2837delC (p.Thr946LysfsX15) results in a premature termination codon, predicted to cause a truncation of the encoded protein or absence of the protein due to nonsense mediated decay, which are commonly known mechanisms for disease. Truncations downstream of this position have been classified as pathogenic by our laboratory. The variant was absent in 251460 control chromosomes. To our knowledge, no occurrence of c.2837delC in individuals affected with Marfan Syndrome and no experimental evidence demonstrating its impact on protein function have been reported. No clinical diagnostic laboratories have submitted clinical-significance assessments for this variant to ClinVar after 2014. Based on the evidence outlined above, the variant was classified as likely pathogenic.